The following is an entry in ClinVar:

NM_001042432.2(CLN3):c.240G>A (p.Thr80=)

Gene: CLN3 (CLN3 lysosomal/endosomal transmembrane protein, battenin; minus strand). Cytogenetic location: 16p12.1.
Variant type: single nucleotide variant.
Coding change: c.240G>A on transcript NM_001042432.2 (MANE Select); coding-DNA position 240, G replaced by A.
Protein change: p.Thr80=; no amino-acid change (threonine 80 retained).
Molecular consequence: synonymous variant. On other transcripts: missense variant (1), intron variant (2).
Genome position (GRCh38, 1-based): chr16:28,488,645, C>T on the plus strand (G>A on the coding strand, the complement: CLN3 is on the minus strand). VCF-style: chr16-28488645-C-T. GRCh37 (hg19) VCF-style: chr16-28499966-C-T.
Other names: p.Thr80=; c.20G>A (NM_001286105.1); c.240G>A, p.Thr80= (NM_000086.2); c.20G>A, p.Arg7His (NM_001286105.2); c.78G>A, p.Thr26= (NM_001286110.2); c.60+645G>A (NM_001286109.2); c.222+645G>A (NM_001286104.2); short protein forms R7H.
Identifiers: ClinVar variation 197712 (VCV000197712.30), dbSNP rs373911322, ClinGen allele CA203036.

ClinVar aggregate classification (germline): Benign/Likely benign. Review status: criteria provided, multiple submitters, no conflicts (2 of 4 stars). 11 submissions from 11 submitters: Benign (5); Likely benign (2). 4 of the submissions do not count toward it. Last evaluated 2026-01-28.

Conditions:
CLN3-related disorder. Also called: CLN3-related condition. Identifiers: MedGen CN382248.
Inborn genetic diseases. Identifiers: MedGen C0950123, MeSH D030342.
Neuronal ceroid lipofuscinosis. Also called: Neuronal Ceroid Lipofuscinoses. Identifiers: Orphanet 216, Orphanet 79263, MedGen C0027877, MONDO:0016295. Disease mechanism: loss of function.
Neuronal ceroid lipofuscinosis 3 (CLN3). Identifiers: Orphanet 228346, MedGen C0751383, MONDO:0008767, OMIM 204200.

Allele frequency attached by ClinVar (database versions not stated): gnomAD 0.00002 and 0.00026; ESP Exome Variant Server 0.00008; TOPMed 0.00008; gnomAD exomes 0.00049 and 0.00096; ExAC 0.00114; 1000 Genomes Project 30x 0.00219; 1000 Genomes Project 0.00260.

Submissions (11):

Labcorp Genetics (formerly Invitae), Labcorp
Classification: Benign for Neuronal ceroid lipofuscinosis. Last evaluated: 2026-01-28. Review status: criteria provided, single submitter. Criteria: Invitae Variant Classification Sherloc (09022015). Collection method: clinical testing. Allele origin: germline.

Mayo Clinic Laboratories, Mayo Clinic
Classification: Benign. Last evaluated: 2025-07-16. Review status: criteria provided, single submitter. Criteria: ACMG Guidelines, 2015. Collection method: clinical testing. Allele origin: germline. Observed: 1 variant allele.
Comment: BA1, BP4, BP7

Blueprint Genetics
Classification: Likely benign. Last evaluated: 2023-12-13. Review status: criteria provided, single submitter. Criteria: ACMG Guidelines, 2015. Collection method: clinical testing. Allele origin: germline.

GeneDx
Classification: Benign. Last evaluated: 2020-03-05. Review status: criteria provided, single submitter. Criteria: GeneDx Variant Classification Process June 2021. Collection method: clinical testing. Allele origin: germline. Affected: yes.

Ambry Genetics
Classification: Benign for Inborn genetic diseases. Last evaluated: 2019-03-01. Review status: criteria provided, single submitter. Criteria: Ambry Variant Classification Scheme 2023. Collection method: clinical testing. Allele origin: germline.

Illumina Laboratory Services, Illumina
Classification: Likely benign for Neuronal ceroid lipofuscinosis 3. Last evaluated: 2017-04-27. Review status: criteria provided, single submitter. Criteria: ICSL Variant Classification Criteria 13 December 2019. Collection method: clinical testing. Allele origin: germline.
Comment: This variant was observed as part of a predisposition screen in an ostensibly healthy population. A literature search was performed for the gene, cDNA change, and amino acid change (where applicable). No publications were found based on this search. Allele frequency data from public databases allowed determination this variant is unlikely to cause disease. Therefore, this variant is classified as likely benign.

Eurofins Ntd Llc (ga)
Classification: Benign. Last evaluated: 2015-05-13. Review status: criteria provided, single submitter. Criteria: EGL Classification Definitions 2015. Collection method: clinical testing. Allele origin: germline. Observed: 1 variant allele, 1 heterozygote.

PreventionGenetics, part of Exact Sciences
Classification: Benign for CLN3-related condition. Last evaluated: 2019-07-02. Review status: no assertion criteria provided. Collection method: clinical testing. Allele origin: germline. Not counted in ClinVar's aggregate classification.
Comment: This variant is classified as benign based on ACMG/AMP sequence variant interpretation guidelines (Richards et al. 2015 PMID: 25741868, with internal and published modifications).

Clinical Genetics DNA and cytogenetics Diagnostics Lab, Erasmus MC, Erasmus Medical Center
Classification: Likely benign. Review status: no assertion criteria provided. Collection method: clinical testing. Allele origin: germline. Affected: yes. Study: VKGL Data-share Consensus. Not counted in ClinVar's aggregate classification.

Clinical Genetics, Academic Medical Center
Classification: Benign. Review status: no assertion criteria provided. Collection method: clinical testing. Allele origin: germline. Affected: yes. Study: VKGL Data-share Consensus. Not counted in ClinVar's aggregate classification.

Genome Diagnostics Laboratory, University Medical Center Utrecht
Classification: Likely benign. Review status: no assertion criteria provided. Collection method: clinical testing. Allele origin: germline. Affected: yes. Study: VKGL Data-share Consensus. Not counted in ClinVar's aggregate classification.